The following is an entry in ClinVar:

NM_006297.3(XRCC1):c.457C>A (p.Pro153Thr)

Gene: XRCC1 (X-ray repair cross complementing 1; minus strand). Cytogenetic location: 19q13.31.
Variant type: single nucleotide variant.
Coding change: c.457C>A on transcript NM_006297.3 (MANE Select); coding-DNA position 457, C replaced by A.
Protein change: p.Pro153Thr; replaces proline 153 with threonine.
Molecular consequence: missense variant.
Genome position (GRCh38, 1-based): chr19:43,553,641, G>T on the plus strand (C>A on the coding strand, the complement: XRCC1 is on the minus strand). VCF-style: chr19-43553641-G-T. GRCh37 (hg19) VCF-style: chr19-44057793-G-T.
Other names: short protein forms P153T.
Identifiers: ClinVar variation 4686863 (VCV004686863.1).
Genomic context (GRCh38, chr19:43,553,641, plus strand): 5'-GCCATGGGGAGTGACAGGTACAGCTTACCTGGGACGGGGCCTCTGCCTCATCTTTGTCTG[G>T]GGGGCTATGAAACCGTACAAAACTCAAGCCAAAGGGGGAGTCCTGGGAAAGGAGGGGTGG-3'
Protein context (NP_006288.2, residues 143-163): GLSFVRFHSP[Pro153Thr]DKDEAEAPSQ

ClinVar aggregate classification (germline): Uncertain significance (1 of 4 stars; one submission).

Submission:

GeneDx
Classification: Uncertain significance. Last evaluated: 2025-07-23. Review status: criteria provided, single submitter. Criteria: GeneDx Variant Classification Process June 2021. Collection method: clinical testing. Allele origin: germline. Affected: yes.
Comment: Not observed at significant frequency in large population cohorts (gnomAD); In silico analysis supports that this missense variant has a deleterious effect on protein structure/function; Has not been previously published as pathogenic or benign to our knowledge